The following is an entry in ClinVar:

ClinVar aggregate classification (germline): Likely benign. Review status: criteria provided, multiple submitters, no conflicts (2 of 4 stars). 3 submissions from 3 submitters: Likely benign (3). Last evaluated 2025-06-09.

Allele frequency attached by ClinVar (database versions not stated): gnomAD exomes 0.00012; gnomAD 0.00013 and 0.00014; TOPMed 0.00014; 1000 Genomes Project 30x 0.00016; ExAC 0.00017; 1000 Genomes Project 0.00020; ESP Exome Variant Server 0.00024.
gnomAD v4.1: 214 of 1,608,404 alleles (0.013%); highest among the groups gnomAD compares: Middle Eastern, 0.033%; no homozygotes.

Submissions (3):

Women's Health and Genetics/Laboratory Corporation of America, LabCorp
Classification: Likely benign. Last evaluated: 2025-06-09. Review status: criteria provided, single submitter. Criteria: LabCorp Variant Classification Summary - May 2015. Collection method: clinical testing. Allele origin: germline.

CeGaT Center for Human Genetics Tuebingen
Classification: Likely benign. Last evaluated: 2024-06-01. Review status: criteria provided, single submitter. Criteria: CeGaT Center For Human Genetics Tuebingen Variant Classification Criteria Version 2. Collection method: clinical testing. Allele origin: germline. Affected: yes. Observed: 2 variant alleles.
Comment: NBEAL2: BP4, BP7

Genetic Services Laboratory, University of Chicago
Classification: Likely benign. Last evaluated: 2021-04-02. Review status: criteria provided, single submitter. Criteria: ACMG Guidelines, 2015. Collection method: clinical testing. Allele origin: germline. Affected: no.

NM_015175.3(NBEAL2):c.597G>A (p.Leu199=)

Gene: NBEAL2 (neurobeachin like 2; plus strand). Cytogenetic location: 3p21.31.
Variant type: single nucleotide variant.
Coding change: c.597G>A on transcript NM_015175.3 (MANE Select); coding-DNA position 597, G replaced by A.
Protein change: p.Leu199=; no amino-acid change (leucine 199 retained).
Molecular consequence: synonymous variant.
Genome position (GRCh38, 1-based): chr3:46,991,259, G>A. VCF-style: chr3-46991259-G-A. GRCh37 (hg19) VCF-style: chr3-47032749-G-A.
Other names: c.576G>A, p.Leu192= (NM_001365116.2).
Identifiers: ClinVar variation 1336004 (VCV001336004.29), dbSNP rs199694703, ClinGen allele CA2360154.